The following is an entry in ClinVar:

NM_024675.4(PALB2):c.3067C>T (p.Gln1023Ter)

Gene: PALB2 (partner and localizer of BRCA2; minus strand). Cytogenetic location: 16p12.2.
Variant type: single nucleotide variant.
Coding change: c.3067C>T on transcript NM_024675.4 (MANE Select); coding-DNA position 3067, C replaced by T.
Protein change: p.Gln1023Ter; replaces glutamine 1023 with a stop codon.
Molecular consequence: nonsense.
Genome position (GRCh38, 1-based): chr16:23,621,408, G>A on the plus strand (C>T on the coding strand, the complement: PALB2 is on the minus strand). VCF-style: chr16-23621408-G-A. GRCh37 (hg19) VCF-style: chr16-23632729-G-A.
Other names: short protein forms Q1023*.
Identifiers: ClinVar variation 492209 (VCV000492209.16), dbSNP rs1555459386, ClinGen allele CA395142961.

ClinVar aggregate classification (germline): Pathogenic/Likely pathogenic. Review status: criteria provided, multiple submitters, no conflicts (2 of 4 stars). 4 submissions from 4 submitters: Pathogenic (3); Likely pathogenic (1). Last evaluated 2025-12-10.

Conditions:
Hereditary cancer-predisposing syndrome. Also called: Hereditary neoplastic syndrome; Tumor predisposition; Hereditary Cancer Syndrome; Neoplastic Syndromes, Hereditary. Identifiers: Orphanet 140162, MedGen C0027672, MeSH D009386, MONDO:0015356.
Hereditary breast ovarian cancer syndrome. Also called: Hereditary breast and/or ovarian cancer syndrome; BRCA1- and BRCA2-Associated Hereditary Breast and Ovarian Cancer; Breast and ovarian cancer; Hereditary breast and ovarian cancer; Hereditary breast and ovarian cancer syndrome; Hereditary breast and ovarian cancer syndrome (HBOC). Identifiers: Orphanet 145, MedGen C0677776, MeSH D061325, MONDO:0003582. Disease mechanism: loss of function.
Familial cancer of breast. Also called: Hereditary breast cancer; hereditary breast carcinoma; BREAST CANCER, FAMILIAL. Identifiers: Orphanet 227535, MedGen C0346153, MONDO:0016419, OMIM 114480. Disease mechanism: loss of function.

Allele frequency attached by ClinVar (database versions not stated): gnomAD 0.00001.
gnomAD v4.1: 1 of 1,613,902 alleles (0.000062%); highest among the groups gnomAD compares: Admixed American, 0.0017%; no homozygotes.

Submissions (4):

Ambry Genetics
Classification: Pathogenic for Hereditary cancer-predisposing syndrome. Last evaluated: 2025-12-10. Review status: criteria provided, single submitter. Criteria: Ambry Variant Classification Scheme 2023. Collection method: clinical testing. Allele origin: germline.
Comment: The p.Q1023* pathogenic mutation (also known as c.3067C>T), located in coding exon 10 of the PALB2 gene, results from a C to T substitution at nucleotide position 3067. This changes the amino acid from a glutamine to a stop codon within coding exon 10. This variant is considered to be rare based on population cohorts in the Genome Aggregation Database (gnomAD). This alteration is expected to result in loss of function by premature protein truncation or nonsense-mediated mRNA decay. As such, this alteration is interpreted as a disease-causing mutation.

Women's Health and Genetics/Laboratory Corporation of America, LabCorp
Classification: Likely pathogenic for Hereditary breast and ovarian cancer syndrome. Last evaluated: 2020-11-19. Review status: criteria provided, single submitter. Criteria: LabCorp Variant Classification Summary - May 2015. Collection method: clinical testing. Allele origin: germline.
Comment: Variant summary: PALB2 c.3067C>T (p.Gln1023X) results in a premature termination codon, predicted to cause a truncation of the encoded protein or absence of the protein due to nonsense mediated decay, which are commonly known mechanisms for disease. Truncations downstream of this position have been classified as pathogenic by our laboratory. The variant was absent in 251444 control chromosomes (gnomAD). To our knowledge, no occurrence of c.3067C>T in individuals affected with Hereditary Breast and Ovarian Cancer Syndrome and no experimental evidence demonstrating its impact on protein function have been reported. Two clinical diagnostic laboratories have submitted clinical-significance assessments for this variant to ClinVar after 2014 without evidence for independent evaluation, and both of them classified the variant as pathogenic. Based on the evidence outlined above, the variant was classified as likely pathogenic.

Color Diagnostics, LLC DBA Color Health
Classification: Pathogenic for Hereditary cancer-predisposing syndrome. Last evaluated: 2020-01-15. Review status: criteria provided, single submitter. Criteria: ACMG Guidelines, 2015. Collection method: clinical testing. Allele origin: germline.
Comment: This variant changes 1 nucleotide in exon 10 of the PALB2 gene, creating a premature translation stop signal. This variant is expected to result in an absent or non-functional protein product. This variant has not been identified in the general population by the Genome Aggregation Database (gnomAD). Loss of PALB2 function is a known mechanism of disease. Based on the available evidence, this variant is classified as Pathogenic.

Labcorp Genetics (formerly Invitae), Labcorp
Classification: Pathogenic for Familial cancer of breast. Last evaluated: 2019-03-22. Review status: criteria provided, single submitter. Criteria: Invitae Variant Classification Sherloc (09022015). Collection method: clinical testing. Allele origin: germline.
Comment: For these reasons, this variant has been classified as Pathogenic. Loss-of-function variants in PALB2 are known to be pathogenic (PMID: 17200668, 24136930, 25099575). This variant has not been reported in the literature in individuals with PALB2-related disease. ClinVar contains an entry for this variant (Variation ID: 492209). This variant is not present in population databases (ExAC no frequency). This sequence change creates a premature translational stop signal (p.Gln1023*) in the PALB2 gene. It is expected to result in an absent or disrupted protein product.

Literature cited by the submitters: PubMed 17200668 (cited by Labcorp Genetics (formerly Invitae), Labcorp); PubMed 24136930 (cited by Labcorp Genetics (formerly Invitae), Labcorp); PubMed 25099575 (cited by Labcorp Genetics (formerly Invitae), Labcorp).